The following is an entry in ClinVar:

NM_001267550.2(TTN):c.10381dup (p.Leu3461fs)

Gene: TTN (titin; minus strand). Cytogenetic location: 2q31.2.
Variant type: Duplication.
Coding change: c.10381dup on transcript NM_001267550.2 (MANE Select); coding-DNA position 10381, one base duplicated (C; older notation c.10381dupC).
Protein change: p.Leu3461fs; shifts the reading frame from leucine 3461.
Molecular consequence: frameshift variant. On other transcripts: intron variant (5).
Genome position (GRCh38, 1-based): chr2:178,757,839, G duplicated on the plus strand (C on the coding strand, the reverse complement: TTN is on the minus strand); the first of 4 consecutive G bases (chr2:178,757,839-178,757,842); duplicating any one gives the same sequence. VCF-style (leftmost placement, unchanged base first): chr2-178757838-A-AG. GRCh37 (hg19) VCF-style: chr2-179622565-A-AG.
Other names: c.10243dup, p.Leu3415fs (NM_133432.3); c.10165+1145dup (NM_003319.4); c.10166-1042dup (NM_133437.4); c.10303+1145dup (NM_133378.4, NM_001256850.1, NM_133379.5); short protein forms L3461fs, L3415fs.
Identifiers: ClinVar variation 2027554 (VCV002027554.4), dbSNP rs2531855854, ClinGen allele CA2580065173.

ClinVar aggregate classification (germline): Uncertain significance (1 of 4 stars; one submission).

Conditions:
Dilated cardiomyopathy 1G (CMD1G). Identifiers: Orphanet 154, MedGen C1858763, MONDO:0011400, OMIM 604145.
Autosomal recessive limb-girdle muscular dystrophy type 2J (LGMDR10). Also called: Limb-girdle muscular dystrophy, type 2J; MUSCULAR DYSTROPHY, LIMB-GIRDLE, AUTOSOMAL RECESSIVE 10. Identifiers: Orphanet 140922, MedGen C1837342, MONDO:0012127, OMIM 608807.

Submission:

Labcorp Genetics (formerly Invitae), Labcorp
Classification: Uncertain significance for Dilated cardiomyopathy 1G; Autosomal recessive limb-girdle muscular dystrophy type 2J. Last evaluated: 2022-08-28. Review status: criteria provided, single submitter. Criteria: Invitae Variant Classification Sherloc (09022015). Collection method: clinical testing. Allele origin: germline.
Comment: This sequence change creates a premature translational stop signal (p.Leu3461Profs*41) in the TTN gene. While this is not anticipated to result in nonsense mediated decay, it is expected to create a truncated TTN protein. This variant is not present in population databases (gnomAD no frequency). This variant has not been reported in the literature in individuals affected with TTN-related conditions. This variant is located in the I band of TTN (PMID: 25589632). Truncating variants in this region have been shown to be highly prevalent in the general population and unaffected individuals (PMID: 26701604, 22335739). However, truncating variants in this region have also been reported in individuals affected with autosomal recessive centronuclear myopathy (PMID: 23975875). In summary, the available evidence is currently insufficient to determine the role of this variant in disease. Therefore, it has been classified as a Variant of Uncertain Significance.

Literature cited by the submitters: PubMed 25589632; PubMed 26701604; PubMed 22335739; PubMed 23975875.